The following is an entry in ClinVar:

NM_001110556.2(FLNA):c.2064C>T (p.Ala688=)

Gene: FLNA (filamin A; minus strand). Cytogenetic location: Xq28.
Variant type: single nucleotide variant.
Coding change: c.2064C>T on transcript NM_001110556.2 (MANE Select); coding-DNA position 2064, C replaced by T.
Protein change: p.Ala688=; no amino-acid change (alanine 688 retained).
Molecular consequence: synonymous variant.
Genome position (GRCh38, 1-based): chrX:154,364,331, G>A on the plus strand (C>T on the coding strand, the complement: FLNA is on the minus strand). VCF-style: chrX-154364331-G-A. GRCh37 (hg19) VCF-style: chrX-153592699-G-A.
Other names: c.2064C>T, p.Ala688= (NM_001456.4); c.2064C>T (NM_001110556.1).
Identifiers: ClinVar variation 743801 (VCV000743801.15), dbSNP rs782738252, ClinGen allele CA10561019.

ClinVar aggregate classification (germline): Likely benign. Review status: criteria provided, multiple submitters, no conflicts (2 of 4 stars). 4 submissions from 4 submitters: Likely benign (3). 1 of the submissions does not count toward it. Last evaluated 2026-01-17.

Conditions:
Familial thoracic aortic aneurysm and aortic dissection (TAAD). Also called: Thoracic aortic aneurysms and dissections. Identifiers: Orphanet 91387, MedGen C4707243, MONDO:0019625.
Heterotopia, periventricular, X-linked dominant (PVNH1). Also called: PERIVENTRICULAR NODULAR HETEROTOPIA 4; HETEROTOPIA, PERIVENTRICULAR, 1; PERIVENTRICULAR NODULAR HETEROTOPIA 1; X-linked periventricular heterotopia. Identifiers: Orphanet 2149, Orphanet 82004, MedGen C1848213, MONDO:0010233, OMIM 300049.
Oto-palato-digital syndrome, type II (OPD2). Also called: Otopalatodigital Syndrome, Type II; OPD II SYNDROME; Otopalatodigital Syndrome Type 2 (FLNA-OPD2); FACIOPALATOOSSEOUS SYNDROME. Identifiers: Orphanet 669, Orphanet 90652, MedGen C1844696, MONDO:0010571, OMIM 304120.
Melnick-Needles syndrome (MNS). Also called: MELNICK-NEEDLES OSTEODYSPLASTY; OSTEODYSPLASTY OF MELNICK AND NEEDLES; Melnick-Needles Syndrome (FLNA-MNS). Identifiers: Orphanet 2484, MedGen C0025237, MONDO:0010650, OMIM 309350.
Frontometaphyseal dysplasia (FMD1). Identifiers: Orphanet 1826, MedGen C0265293, MONDO:0015942.
FLNA-related disorder.

Allele frequency attached by ClinVar (database versions not stated): TOPMed 0.00003; ExAC 0.00005.
gnomAD v4.1: 18 of 1,210,837 alleles (0.0015%); highest among the groups gnomAD compares: Middle Eastern, 0.023%; no homozygotes.

Submissions (4):

Labcorp Genetics (formerly Invitae), Labcorp
Classification: Likely benign for Oto-palato-digital syndrome, type II; Heterotopia, periventricular, X-linked dominant; Frontometaphyseal dysplasia; Melnick-Needles syndrome. Last evaluated: 2026-01-17. Review status: criteria provided, single submitter. Criteria: Invitae Variant Classification Sherloc (09022015). Collection method: clinical testing. Allele origin: germline.

GeneDx
Classification: Likely benign. Last evaluated: 2021-01-06. Review status: criteria provided, single submitter. Criteria: GeneDx Variant Classification Process June 2021. Collection method: clinical testing. Allele origin: germline. Affected: yes.

Ambry Genetics
Classification: Likely benign for Familial thoracic aortic aneurysm and aortic dissection. Last evaluated: 2018-02-15. Review status: criteria provided, single submitter. Criteria: Ambry Variant Classification Scheme 2023. Collection method: clinical testing. Allele origin: germline.

PreventionGenetics, part of Exact Sciences
Classification: Likely benign for FLNA-related condition. Last evaluated: 2019-04-01. Review status: no assertion criteria provided. Collection method: clinical testing. Allele origin: germline. Not counted in ClinVar's aggregate classification.
Comment: This variant is classified as likely benign based on ACMG/AMP sequence variant interpretation guidelines (Richards et al. 2015 PMID: 25741868, with internal and published modifications).